The following is an entry in ClinVar:

NM_001458.5(FLNC):c.1420C>T (p.Pro474Ser)

Gene: FLNC (filamin C; plus strand). Cytogenetic location: 7q32.1.
Variant type: single nucleotide variant.
Coding change: c.1420C>T on transcript NM_001458.5 (MANE Select); coding-DNA position 1420, C replaced by T.
Protein change: p.Pro474Ser; replaces proline 474 with serine.
Molecular consequence: missense variant.
Genome position (GRCh38, 1-based): chr7:128,840,031, C>T. VCF-style: chr7-128840031-C-T. GRCh37 (hg19) VCF-style: chr7-128480085-C-T.
Other names: c.1420C>T, p.Pro474Ser (NM_001127487.2); short protein forms P474S.
Identifiers: ClinVar variation 570646 (VCV000570646.9), dbSNP rs1562993431, ClinGen allele CA369225427.
Genomic context (GRCh38, chr7:128,840,031, plus strand): 5'-AGTGGTCCAAGGCCCCTCAGCACCCCCAACCTCCTTTCTCTTCCTCCCCTAGCCTGTAAC[C>T]CCAACGCCTGCCGCGCCTCTGGGCGAGGCCTGCAGCCCAAGGGTGTTCGCGTGAAAGAGG-3'
Protein context (NP_001449.3, residues 464-484): FPVHVSEACN[Pro474Ser]NACRASGRGL

ClinVar aggregate classification (germline): Uncertain significance (1 of 4 stars; one submission).

Conditions:
Distal myopathy with posterior leg and anterior hand involvement. Also called: WILLIAMS DISTAL MYOPATHY. Identifiers: Orphanet 63273, MedGen C3279722, MONDO:0013550, OMIM 614065.
Myofibrillar myopathy 5. Also called: Filaminopathy (type); FILAMINOPATHY, AUTOSOMAL DOMINANT. Identifiers: Orphanet 171445, MedGen C1836050, MONDO:0012289, OMIM 609524.
Hypertrophic cardiomyopathy 26. Also called: Cardiomyopathy, familial hypertrophic, 26. Identifiers: Orphanet 75249, MedGen C4310749, MONDO:0014883, OMIM 617047.

Allele frequency attached by ClinVar (database versions not stated): TOPMed below 0.00001.

Submission:

Labcorp Genetics (formerly Invitae), Labcorp
Classification: Uncertain significance for Distal myopathy with posterior leg and anterior hand involvement; Myofibrillar myopathy 5; Hypertrophic cardiomyopathy 26. Last evaluated: 2018-06-20. Review status: criteria provided, single submitter. Criteria: Invitae Variant Classification Sherloc (09022015). Collection method: clinical testing. Allele origin: germline.
Comment: This sequence change replaces proline with serine at codon 474 of the FLNC protein (p.Pro474Ser). The proline residue is moderately conserved and there is a moderate physicochemical difference between proline and serine. This variant is not present in population databases (ExAC no frequency). In summary, the available evidence is currently insufficient to determine the role of this variant in disease. Therefore, it has been classified as a Variant of Uncertain Significance. Algorithms developed to predict the effect of missense changes on protein structure and function are either unavailable or do not agree on the potential impact of this missense change (SIFT: "Tolerated"; PolyPhen-2: "Possibly Damaging"; Align-GVGD: "Class C0"). This variant has not been reported in the literature in individuals with FLNC-related disease.